The following is an entry in ClinVar:

NM_000268.4(NF2):c.650_654dup (p.Val219fs)

Gene: NF2 (NF2, moesin-ezrin-radixin like (MERLIN) tumor suppressor; plus strand). Cytogenetic location: 22q12.2.
Variant type: Duplication.
Coding change: c.650_654dup on transcript NM_000268.4 (MANE Select); coding-DNA positions 650 to 654, 5 bases duplicated (ACGGT; older notation c.650_654dupACGGT).
Protein change: p.Val219fs; shifts the reading frame from valine 219.
Molecular consequence: frameshift variant. On other transcripts: intron variant (1).
Genome position (GRCh38, 1-based): chr22:29,658,239-29,658,243, ACGGT duplicated; duplicating any 5 consecutive bases within chr22:29,658,237-29,658,243 gives the same sequence; the c. name uses the placement nearest the transcript's 3' end. VCF-style (leftmost placement, unchanged base first): chr22-29658236-T-TGTACG. GRCh37 (hg19) VCF-style: chr22-30054225-T-TGTACG.
Other names: c.650_654dup, p.Val219fs (NM_001407066.1, NM_016418.5, NM_181825.3 and 4 more transcripts); c.419_423dup, p.Val142fs (NM_001407067.1); c.524_528dup, p.Val177fs (NM_181828.3, NM_001407055.1); c.527_531dup, p.Val178fs (NM_181829.3, NM_001407058.1, NM_001407062.1 and 1 more transcripts); c.401_405dup, p.Val136fs (NM_181830.3, NM_181831.3, NM_001407063.1 and 1 more transcripts); c.447+15954_447+15958dup (NM_181833.3); c.116_120dup, p.Val41fs (NM_001407065.1); c.536_540dup, p.Val181fs (NM_001407053.1, NM_001407056.1); short protein forms V136fs, V142fs, V177fs, V178fs, V181fs, V219fs, V41fs.
Identifiers: ClinVar variation 3897737 (VCV003897737.1).
Genomic context (GRCh38, chr22:29,658,236, plus strand): 5'-GTTCTCCCCACAGGGATGAAGCTGAAATGGAATATCTGAAGATAGCTCAGGACCTGGAGA[T>TGTACG]GTACGGTGTGAACTACTTTGCAATCCGGGTGTGTTGAAACCTCTCTGAGCTCCTTGTGTA-3'

ClinVar aggregate classification (oncogenicity): Oncogenic (1 of 4 stars; one submission).

Conditions:
Meningioma. Also called: Meningioma, somatic. Identifiers: Orphanet 2495, MedGen C0025286, MONDO:0016642, HP:0002858.

Submission:

Dr. Guy Rouleau's laboratory, McGill University
Classification: Oncogenic for Meningioma. Last evaluated: 2025-03-30. Review status: criteria provided, single submitter. Criteria: ClinGen/CGC/VICC Guidelines for Oncogenicity, 2022. Collection method: research. Allele origin: somatic. Affected: yes.
Comment: This frameshift variant generates a premature translational stop signal (p.Val219fs) in the NF2 gene, which is expected to result in an absent or disrupted protein product. Loss-of-function variants in NF2 are well-established as pathogenic (PMIDs: 8755919, 9643284, 16983642). This somatic variant was identified in a paired tumor-blood sequencing study of meningiomas. It has not been reported in population databases (gnomAD v2.1.1: no frequency).